The following is an entry in ClinVar:

NM_213655.5(WNK1):c.2998del (p.Arg1000fs)

Gene: WNK1 (WNK lysine deficient protein kinase 1; plus strand). Cytogenetic location: 12p13.33.
Variant type: Deletion.
Coding change: c.2998del on transcript NM_213655.5 (MANE Plus Clinical); coding-DNA position 2998, one base deleted (A; older notation c.2998delA).
Protein change: p.Arg1000fs; shifts the reading frame from arginine 1000.
Molecular consequence: frameshift variant. On other transcripts: intron variant (2).
Genome position (GRCh38, 1-based): chr12:868,469, A deleted; the last of 2 consecutive A bases (chr12:868,468-868,469); deleting either gives the same sequence. VCF-style (leftmost placement, unchanged base first): chr12-868467-TA-T. GRCh37 (hg19) VCF-style: chr12-977633-TA-T.
Other names: c.2743del, p.Arg915fs (NM_001184985.2); c.2140-2796del (NM_018979.4, NM_014823.3); short protein forms R1000fs, R915fs.
Identifiers: ClinVar variation 2137282 (VCV002137282.4), dbSNP rs750907088, ClinGen allele CA6382278.

ClinVar aggregate classification (germline): Pathogenic (1 of 4 stars; one submission).

Conditions:
Neuropathy, hereditary sensory and autonomic, type 2A (HSAN2A). Also called: ACROOSTEOLYSIS, GIACCAI TYPE; ACROOSTEOLYSIS, NEUROGENIC; MORVAN DISEASE; NEUROPATHY, CONGENITAL SENSORY; NEUROPATHY, HEREDITARY SENSORY RADICULAR, AUTOSOMAL RECESSIVE; NEUROPATHY, HEREDITARY SENSORY, TYPE IIA. Identifiers: Orphanet 970, MedGen C2752089, MONDO:0024309, OMIM 201300.
Pseudohypoaldosteronism type 2C (PHA2C). Also called: Pseudohypoaldosteronism Type IIC. Identifiers: Orphanet 757, Orphanet 88940, MedGen C1840391, MONDO:0013778, OMIM 614492.

Submission:

Labcorp Genetics (formerly Invitae), Labcorp
Classification: Pathogenic for Neuropathy, hereditary sensory and autonomic, type 2A; Pseudohypoaldosteronism type 2C. Last evaluated: 2022-03-25. Review status: criteria provided, single submitter. Criteria: Invitae Variant Classification Sherloc (09022015). Collection method: clinical testing. Allele origin: germline.
Comment: For these reasons, this variant has been classified as Pathogenic. This variant is also known as 639delA (Arg214fsX215). This premature translational stop signal has been observed in individual(s) with hereditary sensory and autonomic neuropathy (PMID: 18521183). This variant is present in population databases (rs750907088, gnomAD 0.0009%). This sequence change creates a premature translational stop signal (p.Arg1000Aspfs*2) in the WNK1 gene. It is expected to result in an absent or disrupted protein product. Loss-of-function variants in WNK1 are known to be pathogenic (PMID: 22910560).

Literature cited by the submitters: PubMed 18521183; PubMed 22910560.